The following is an entry in ClinVar:

NM_175607.3(CNTN4):c.978C>T (p.His326=)

Gene: CNTN4 (contactin 4; plus strand). Cytogenetic location: 3p26.2.
Variant type: single nucleotide variant.
Coding change: c.978C>T on transcript NM_175607.3 (MANE Select); coding-DNA position 978, C replaced by T.
Protein change: p.His326=; no amino-acid change (histidine 326 retained).
Molecular consequence: synonymous variant. On other transcripts: 5 prime UTR variant (2).
Genome position (GRCh38, 1-based): chr3:2,900,722, C>T. VCF-style: chr3-2900722-C-T. GRCh37 (hg19) VCF-style: chr3-2942406-C-T.
Other names: c.978C>T, p.His326= (NM_001206955.2, NM_001350095.2); c.-7C>T (NM_001206956.2, NM_175613.3).
Identifiers: ClinVar variation 750686 (VCV000750686.6), dbSNP rs201626626, ClinGen allele CA2227213.

ClinVar aggregate classification (germline): Likely benign. Review status: criteria provided, single submitter (1 of 4 stars). 2 submissions from 2 submitters: Likely benign (1). 1 of the submissions does not count toward it. Last evaluated 2019-12-31.

Conditions:
CNTN4-related disorder. Also called: CNTN4-related condition.

Allele frequency attached by ClinVar (database versions not stated): gnomAD exomes 0.00035 and 0.00054; ExAC 0.00052; ESP Exome Variant Server 0.00054; gnomAD 0.00074 and 0.00082; 1000 Genomes Project 30x 0.00078; 1000 Genomes Project 0.00080; TOPMed 0.00096.
gnomAD v4.1: 646 of 1,613,752 alleles (0.04%); highest among the groups gnomAD compares: Middle Eastern, 0.23%; 1 homozygote.

Submissions (2):

Labcorp Genetics (formerly Invitae), Labcorp
Classification: Likely benign. Last evaluated: 2019-12-31. Review status: criteria provided, single submitter. Criteria: Invitae Variant Classification Sherloc (09022015). Collection method: clinical testing. Allele origin: germline.

PreventionGenetics, part of Exact Sciences
Classification: Likely benign for CNTN4-related condition. Last evaluated: 2019-08-09. Review status: no assertion criteria provided. Collection method: clinical testing. Allele origin: germline. Not counted in ClinVar's aggregate classification.
Comment: This variant is classified as likely benign based on ACMG/AMP sequence variant interpretation guidelines (Richards et al. 2015 PMID: 25741868, with internal and published modifications).